The following is an entry in ClinVar:

NM_001010898.4(SLC6A17):c.1545C>T (p.Ser515=)

Gene: SLC6A17 (solute carrier family 6 member 17; plus strand). Cytogenetic location: 1p13.3.
Variant type: single nucleotide variant.
Coding change: c.1545C>T on transcript NM_001010898.4 (MANE Select); coding-DNA position 1545, C replaced by T.
Protein change: p.Ser515=; no amino-acid change (serine 515 retained).
Molecular consequence: synonymous variant.
Genome position (GRCh38, 1-based): chr1:110,195,638, C>T. VCF-style: chr1-110195638-C-T. GRCh37 (hg19) VCF-style: chr1-110738260-C-T.
Other names: c.1545C>T (NM_001010898.3).
Identifiers: ClinVar variation 736353 (VCV000736353.5), dbSNP rs191476871, ClinGen allele CA998193.

ClinVar aggregate classification (germline): Likely benign. Review status: criteria provided, single submitter (1 of 4 stars). 2 submissions from 2 submitters: Likely benign (1). 1 of the submissions does not count toward it. Last evaluated 2018-03-29.

Conditions:
SLC6A17-related disorder. Also called: SLC6A17-related condition.

Allele frequency attached by ClinVar (database versions not stated): gnomAD 0.00008 and 0.00019; TOPMed 0.00014; gnomAD exomes 0.00034; ExAC 0.00035; 1000 Genomes Project 0.00180; 1000 Genomes Project 30x 0.00187.

Submissions (2):

Labcorp Genetics (formerly Invitae), Labcorp
Classification: Likely benign. Last evaluated: 2018-03-29. Review status: criteria provided, single submitter. Criteria: Invitae Variant Classification Sherloc (09022015). Collection method: clinical testing. Allele origin: germline.

PreventionGenetics, part of Exact Sciences
Classification: Likely benign for SLC6A17-related condition. Last evaluated: 2019-10-17. Review status: no assertion criteria provided. Collection method: clinical testing. Allele origin: germline. Not counted in ClinVar's aggregate classification.
Comment: This variant is classified as likely benign based on ACMG/AMP sequence variant interpretation guidelines (Richards et al. 2015 PMID: 25741868, with internal and published modifications).